The following is an entry in ClinVar:

ClinVar aggregate classification (germline): Uncertain significance (1 of 4 stars; one submission).

Allele frequency attached by ClinVar (database versions not stated): gnomAD 0.00001; TOPMed 0.00001.
gnomAD v4.1: 15 of 1,613,716 alleles (0.00093%); highest among the groups gnomAD compares: African/African-American, 0.0053%; no homozygotes.

Submission:

Labcorp Genetics (formerly Invitae), Labcorp
Classification: Uncertain significance. Last evaluated: 2022-09-25. Review status: criteria provided, single submitter. Criteria: Invitae Variant Classification Sherloc (09022015). Collection method: clinical testing. Allele origin: germline.
Comment: This sequence change replaces serine, which is neutral and polar, with glycine, which is neutral and non-polar, at codon 313 of the PROM1 protein (p.Ser313Gly). This variant is present in population databases (no rsID available, gnomAD 0.007%). This variant has not been reported in the literature in individuals affected with PROM1-related conditions. Advanced modeling of protein sequence and biophysical properties (such as structural, functional, and spatial information, amino acid conservation, physicochemical variation, residue mobility, and thermodynamic stability) performed at Invitae indicates that this missense variant is not expected to disrupt PROM1 protein function. Algorithms developed to predict the effect of sequence changes on RNA splicing suggest that this variant may disrupt the consensus splice site. In summary, the available evidence is currently insufficient to determine the role of this variant in disease. Therefore, it has been classified as a Variant of Uncertain Significance.

NM_006017.3(PROM1):c.937A>G (p.Ser313Gly)

Gene: PROM1 (prominin 1; minus strand). Cytogenetic location: 4p15.32.
Variant type: single nucleotide variant.
Coding change: c.937A>G on transcript NM_006017.3 (MANE Select); coding-DNA position 937, A replaced by G.
Protein change: p.Ser313Gly; replaces serine 313 with glycine.
Molecular consequence: missense variant.
Genome position (GRCh38, 1-based): chr4:16,018,388, T>C on the plus strand (A>G on the coding strand, the complement: PROM1 is on the minus strand). VCF-style: chr4-16018388-T-C. GRCh37 (hg19) VCF-style: chr4-16020011-T-C.
Other names: c.910A>G, p.Ser304Gly (NM_001145847.2, NM_001145848.2, NM_001145851.2 and 4 more transcripts); c.937A>G, p.Ser313Gly (NM_001145849.2, NM_001145850.2); short protein forms S313G, S304G.
Identifiers: ClinVar variation 1991380 (VCV001991380.4), dbSNP rs996504262, ClinGen allele CA92562981.